The following is an entry in ClinVar:

NM_000053.4(ATP7B):c.2509G>T (p.Gly837Ter)

Gene: ATP7B (ATPase copper transporting beta; minus strand). Cytogenetic location: 13q14.3.
Variant type: single nucleotide variant.
Coding change: c.2509G>T on transcript NM_000053.4 (MANE Select); coding-DNA position 2509, G replaced by T.
Protein change: p.Gly837Ter; replaces glycine 837 with a stop codon.
Molecular consequence: nonsense. On other transcripts: intron variant (1).
Genome position (GRCh38, 1-based): chr13:51,950,338, C>A on the plus strand (G>T on the coding strand, the complement: ATP7B is on the minus strand). VCF-style: chr13-51950338-C-A. GRCh37 (hg19) VCF-style: chr13-52524474-C-A.
Other names: c.2023G>T, p.Gly675Ter (NM_001005918.3, NM_001406541.1, NM_001406542.1 and 1 more transcripts); c.2176G>T, p.Gly726Ter (NM_001243182.2); c.2275G>T, p.Gly759Ter (NM_001330578.2, NM_001406527.1, NM_001406528.1 and 2 more transcripts); c.2257G>T, p.Gly753Ter (NM_001330579.2, NM_001406531.1, NM_001406532.1 and 1 more transcripts); c.2509G>T, p.Gly837Ter (NM_001406511.1, NM_001406512.1, NM_001406513.1 and 7 more transcripts); c.2476G>T, p.Gly826Ter (NM_001406514.1); c.2413G>T, p.Gly805Ter (NM_001406517.1, NM_001406518.1); c.2365G>T, p.Gly789Ter (NM_001406520.1, NM_001406521.1, NM_001406522.1 and 1 more transcripts); and 8 more; short protein forms G621*, G643*, G675*, G694*, G721*, G726*, G727*, G753*.
Identifiers: ClinVar variation 5010856 (VCV005010856.1).

ClinVar aggregate classification (germline): Pathogenic (1 of 4 stars; one submission).

Conditions:
Wilson disease (WND). Also called: Wilson's disease. Identifiers: Orphanet 905, MedGen C0019202, MONDO:0010200, OMIM 277900. Disease mechanism: loss of function.

Submission:

Myriad Genetics, Inc.
Classification: Pathogenic for Wilson disease. Last evaluated: 2023-08-10. Review status: criteria provided, single submitter. Criteria: Myriad Autosomal Dominant, Autosomal Recessive and X-Linked Classification Criteria (2023). Collection method: clinical testing. Allele origin: unknown.
Comment: NM_000053.3(ATP7B):c.2509G>T(G837*) is expected to be pathogenic in the context of Wilson disease. This variant is predicted to lead to an abnormal or absent protein product due to the creation of a premature termination codon in ATP7B, a gene where loss-of-function variants are known to be pathogenic. Please note: this variant was assessed in the context of healthy population screening.